The following is an entry in ClinVar:

ClinVar aggregate classification (germline): Benign/Likely benign. Review status: criteria provided, multiple submitters, no conflicts (2 of 4 stars). 8 submissions from 8 submitters: Benign (3); Likely benign (5). Last evaluated 2026-01-31.

Conditions:
Cardiovascular phenotype. Identifiers: MedGen CN230736.
Cardiac arrhythmia. Also called: Arrhythmia; Cardiac rhythm disease. Identifiers: MedGen C0003811, MONDO:0007263, HP:0011675.
Long QT syndrome (LQTS). Identifiers: MedGen C0023976, MeSH D008133, MONDO:0002442. Disease mechanism: loss of function. Inheritance: Various modes of inheritance.

Allele frequency attached by ClinVar (database versions not stated): gnomAD exomes 0.00014 and 0.00021; TOPMed 0.00014; gnomAD 0.00015 and 0.00016; ESP Exome Variant Server 0.00023; ExAC 0.00057.
gnomAD v4.1: 223 of 1,579,566 alleles (0.014%); highest among the groups gnomAD compares: Middle Eastern, 0.017%; no homozygotes.

Submissions (8):

Labcorp Genetics (formerly Invitae), Labcorp
Classification: Benign for Long QT syndrome. Last evaluated: 2026-01-31. Review status: criteria provided, single submitter. Criteria: Invitae Variant Classification Sherloc (09022015). Collection method: clinical testing. Allele origin: germline.

Molecular Diagnostic Laboratory for Inherited Cardiovascular Disease, Montreal Heart Institute
Classification: Benign. Last evaluated: 2025-04-09. Review status: criteria provided, single submitter. Criteria: ACMG Guidelines, 2015. Collection method: clinical testing. Allele origin: germline. Affected: no.

Mayo Clinic Laboratories, Mayo Clinic
Classification: Likely benign. Last evaluated: 2025-02-12. Review status: criteria provided, single submitter. Criteria: ACMG Guidelines, 2015. Collection method: clinical testing. Allele origin: germline. Observed: 1 variant allele.
Comment: BP4, BP7

Blueprint Genetics
Classification: Likely benign. Last evaluated: 2024-10-24. Review status: criteria provided, single submitter. Criteria: ACMG Guidelines, 2015. Collection method: clinical testing. Allele origin: germline.

CeGaT Center for Human Genetics Tuebingen
Classification: Likely benign. Last evaluated: 2023-03-01. Review status: criteria provided, single submitter. Criteria: CeGaT Center For Human Genetics Tuebingen Variant Classification Criteria Version 2. Collection method: clinical testing. Allele origin: germline. Affected: yes. Observed: 2 variant alleles.
Comment: KCNQ1: BP4, BP7

Color Diagnostics, LLC DBA Color Health
Classification: Likely benign for Arrhythmia. Last evaluated: 2018-05-29. Review status: criteria provided, single submitter. Criteria: ACMG Guidelines, 2015. Collection method: clinical testing. Allele origin: germline.

Ambry Genetics
Classification: Likely benign for Cardiovascular phenotype. Last evaluated: 2017-07-25. Review status: criteria provided, single submitter. Criteria: Ambry Variant Classification Scheme 2023. Collection method: clinical testing. Allele origin: germline.

GeneDx
Classification: Benign. Last evaluated: 2015-03-03. Review status: criteria provided, single submitter. Criteria: GeneDx Variant Classification Process June 2021. Collection method: clinical testing. Allele origin: germline. Affected: yes.

NM_000218.3(KCNQ1):c.1926C>T (p.Cys642=)

Genes: KCNQ1 (potassium voltage-gated channel subfamily Q member 1; plus strand), KCNQ1-AS1 (KCNQ1 antisense RNA 1; minus strand). Cytogenetic location: 11p15.4.
Variant type: single nucleotide variant.
Coding change: c.1926C>T on transcript NM_000218.3 (MANE Select); coding-DNA position 1926, C replaced by T.
Protein change: p.Cys642=; no amino-acid change (cysteine 642 retained).
Molecular consequence: synonymous variant.
Genome position (GRCh38, 1-based): chr11:2,847,898, C>T. VCF-style: chr11-2847898-C-T. GRCh37 (hg19) VCF-style: chr11-2869128-C-T.
Other names: p.Cys642=; c.1830C>T, p.Cys610= (NM_001406836.1); c.1656C>T, p.Cys552= (NM_001406837.1); c.1386C>T, p.Cys462= (NM_001406838.1); c.438C>T, p.Cys146= (NM_001406839.1); c.1545C>T, p.Cys515= (NM_181798.2).
Identifiers: ClinVar variation 237227 (VCV000237227.54), dbSNP rs12720454, ClinGen allele CA033727.